The following is an entry in ClinVar:

NM_004360.5(CDH1):c.2363C>T (p.Ala788Val)

Gene: CDH1 (cadherin 1; plus strand). Cytogenetic location: 16q22.1.
Variant type: single nucleotide variant.
Coding change: c.2363C>T on transcript NM_004360.5 (MANE Select); coding-DNA position 2363, C replaced by T.
Protein change: p.Ala788Val; replaces alanine 788 with valine.
Molecular consequence: missense variant.
Genome position (GRCh38, 1-based): chr16:68,829,721, C>T. VCF-style: chr16-68829721-C-T. GRCh37 (hg19) VCF-style: chr16-68863624-C-T.
Other names: c.2180C>T, p.Ala727Val (NM_001317184.2); c.815C>T, p.Ala272Val (NM_001317185.2); c.398C>T, p.Ala133Val (NM_001317186.2); c.2363C>T (LRG_301t1); short protein forms A788V, A133V, A272V, A727V.
Identifiers: ClinVar variation 141016 (VCV000141016.26), dbSNP rs139096339, ClinGen allele CA164227.

ClinVar aggregate classification (germline): Conflicting classifications of pathogenicity. Review status: criteria provided, conflicting classifications (1 of 4 stars). 7 submissions from 7 submitters: Uncertain significance (6); Benign (1). Last evaluated 2026-03-19.

Conditions:
Hereditary cancer-predisposing syndrome. Also called: Neoplastic Syndromes, Hereditary; Hereditary Cancer Syndrome; Tumor predisposition; Hereditary neoplastic syndrome. Identifiers: Orphanet 140162, MedGen C0027672, MeSH D009386, MONDO:0015356.
Hereditary diffuse gastric adenocarcinoma (HDGC). Also called: DIFFUSE GASTRIC AND LOBULAR BREAST CANCER SYNDROME. Identifiers: Orphanet 26106, MedGen C1708349, MONDO:0007648, OMIM 137215.

Allele frequency attached by ClinVar (database versions not stated): gnomAD exomes below 0.00001 and 0.00001; gnomAD 0.00005; ESP Exome Variant Server 0.00008; ExAC 0.00001; TOPMed 0.00005.
gnomAD v4.1: 11 of 1,613,986 alleles (0.00068%); highest among the groups gnomAD compares: African/African-American, 0.013%; no homozygotes.

Submissions (7):

Ambry Genetics
Classification: Benign for Hereditary cancer-predisposing syndrome. Last evaluated: 2026-03-19. Review status: criteria provided, single submitter. Criteria: Ambry Variant Classification Scheme 2023. Collection method: clinical testing. Allele origin: germline.

Labcorp Genetics (formerly Invitae), Labcorp
Classification: Uncertain significance for Hereditary diffuse gastric adenocarcinoma. Last evaluated: 2026-01-11. Review status: criteria provided, single submitter. Criteria: Invitae Variant Classification Sherloc (09022015). Collection method: clinical testing. Allele origin: germline.
Comment: This sequence change replaces alanine, which is neutral and non-polar, with valine, which is neutral and non-polar, at codon 788 of the CDH1 protein (p.Ala788Val). This variant is present in population databases (rs139096339, gnomAD 0.01%). This variant has not been reported in the literature in individuals affected with CDH1-related conditions. ClinVar contains an entry for this variant (Variation ID: 141016). An algorithm developed to predict the effect of missense changes on protein structure and function (PolyPhen-2) suggests that this variant is likely to be tolerated. In summary, the available evidence is currently insufficient to determine the role of this variant in disease. Therefore, it has been classified as a Variant of Uncertain Significance.

Women's Health and Genetics/Laboratory Corporation of America, LabCorp
Classification: Uncertain significance. Last evaluated: 2024-12-26. Review status: criteria provided, single submitter. Criteria: LabCorp Variant Classification Summary - May 2015. Collection method: clinical testing. Allele origin: germline.

Institute for Biomarker Research, Medical Diagnostic Laboratories, L.L.C.
Classification: Uncertain significance for Hereditary cancer-predisposing syndrome. Last evaluated: 2024-11-05. Review status: criteria provided, single submitter. Criteria: ACMG Guidelines, 2015. Collection method: clinical testing. Allele origin: germline.
Comment: The missense variant NM_004360.5(CDH1):c.2363C>T (p.Ala788Val) has not been reported previously as a pathogenic variant nor as a benign variant, to our knowledge. There is a small physicochemical difference between alanine and valine, which is not likely to impact secondary protein structure as these residues share similar properties. The gene CDH1 has a low rate of benign missense variation as indicated by a high missense variants Z-Score of 1.89. The gene CDH1 contains 18 pathogenic missense variants, indicating that missense variants are a common mechanism of disease in this gene. For these reasons, this variant has been classified as Uncertain Significance.

Color Diagnostics, LLC DBA Color Health
Classification: Uncertain significance for Hereditary cancer-predisposing syndrome. Last evaluated: 2024-09-30. Review status: criteria provided, single submitter. Criteria: ACMG Guidelines, 2015. Collection method: clinical testing. Allele origin: germline.
Comment: This missense variant replaces alanine with valine at codon 788 of the CDH1 protein. To our knowledge, functional studies have not been reported for this variant. This variant has not been reported in individuals affected with CDH1-related disorders in the literature. This variant has been identified in 3/282820 chromosomes in the general population by the Genome Aggregation Database (gnomAD). The available evidence is insufficient to determine the role of this variant in disease conclusively. Therefore, this variant is classified as a Variant of Uncertain Significance.

GeneDx
Classification: Uncertain significance. Last evaluated: 2024-03-18. Review status: criteria provided, single submitter. Criteria: GeneDx Variant Classification Process June 2021. Collection method: clinical testing. Allele origin: germline.
Comment: Not observed at significant frequency in large population cohorts (gnomAD); In silico analysis supports that this missense variant does not alter protein structure/function; Has not been previously published as pathogenic or benign to our knowledge; This variant is associated with the following publications: (PMID: 15235021, 22850631)

Quest Diagnostics Nichols Institute San Juan Capistrano
Classification: Uncertain significance. Last evaluated: 2016-10-13. Review status: criteria provided, single submitter. Criteria: Quest Diagnostics criteria. Collection method: clinical testing. Allele origin: germline.